The following is an entry in ClinVar:

NM_001127898.4(CLCN5):c.1112G>C (p.Ser371Thr)

Gene: CLCN5 (chloride voltage-gated channel 5; plus strand). Cytogenetic location: Xp11.23.
Variant type: single nucleotide variant.
Coding change: c.1112G>C on transcript NM_001127898.4 (MANE Select); coding-DNA position 1112, G replaced by C.
Protein change: p.Ser371Thr; replaces serine 371 with threonine.
Molecular consequence: missense variant. On other transcripts: non-coding transcript variant (1).
Genome position (GRCh38, 1-based): chrX:50,086,425, G>C. VCF-style: chrX-50086425-G-C. GRCh37 (hg19) VCF-style: chrX-49851082-G-C.
Other names: c.902G>C, p.Ser301Thr (NM_000084.5); c.1112G>C, p.Ser371Thr (NM_001127899.4); c.962G>C, p.Ser321Thr (NM_001282163.2); c.1124G>C, p.Ser375Thr (NM_001440756.1, NM_001440757.1); short protein forms S301T, S321T, S371T, S375T.
Identifiers: ClinVar variation 4529514 (VCV004529514.1).

ClinVar aggregate classification (germline): Uncertain significance (1 of 4 stars; one submission).

Submission:

GeneDx
Classification: Uncertain significance. Last evaluated: 2025-05-11. Review status: criteria provided, single submitter. Criteria: GeneDx Variant Classification Process June 2021. Collection method: clinical testing. Allele origin: germline. Affected: yes.
Comment: Not observed at significant frequency in large population cohorts (gnomAD); Missense variants in this gene are a common cause of disease and they are underrepresented in the general population; In silico analysis suggests that this missense variant does not alter protein structure/function; Has not been previously published as pathogenic or benign to our knowledge